The following is an entry in ClinVar:

ClinVar aggregate classification (germline): Benign (1 of 4 stars; one submission).

Allele frequency attached by ClinVar (database versions not stated): 1000 Genomes Project 30x 0.06746; 1000 Genomes Project 0.06989; TOPMed 0.12746; gnomAD 0.13492 and 0.13778.
gnomAD v4.1: 20,532 of 152,312 alleles (13%); highest among the groups gnomAD compares: Non-Finnish European, 20%; 1,833 homozygotes.

Submission:

GeneDx
Classification: Benign. Last evaluated: 2018-06-14. Review status: criteria provided, single submitter. Criteria: GeneDx Variant Classification (06012015). Collection method: clinical testing. Allele origin: germline. Affected: yes.
Comment: This variant is considered likely benign or benign based on one or more of the following criteria: it is a conservative change, it occurs at a poorly conserved position in the protein, it is predicted to be benign by multiple in silico algorithms, and/or has population frequency not consistent with disease.

NM_174878.3(CLRN1):c.433+1388A>C

Gene: CLRN1 (clarin 1; minus strand). Cytogenetic location: 3q25.1.
Variant type: single nucleotide variant.
Coding change: c.433+1388A>C on transcript NM_174878.3 (MANE Select); 1388 bases into the intron after coding-DNA position 433, A replaced by C.
Molecular consequence: intron variant.
Genome position (GRCh38, 1-based): chr3:150,940,194, T>G on the plus strand (A>C on the coding strand, the complement: CLRN1 is on the minus strand). VCF-style: chr3-150940194-T-G. GRCh37 (hg19) VCF-style: chr3-150657981-T-G.
Other names: c.205+1388A>C (NM_052995.2); c.472+287A>C (NM_001195794.1); c.47+1388A>C (NM_001256819.2).
Identifiers: ClinVar variation 667611 (VCV000667611.1), dbSNP rs73155703, ClinGen allele CA11576338.
Genomic context (GRCh38, chr3:150,940,194, plus strand): 5'-CTTTCGTTAGAGATACAAAGATGTAAAAGGCTTAGACTCTTCTGTTATAGGATAATCATC[T>G]GTACAATTTAAAACTGTATTATATACTTGTGACAAATCTAAAGAAAATATTAGCAGAATC-3'